The following is an entry in ClinVar:

NM_004595.5(SMS):c.335C>T (p.Pro112Leu)

Gene: SMS (spermine synthase; plus strand). Cytogenetic location: Xp22.11.
Variant type: single nucleotide variant.
Coding change: c.335C>T on transcript NM_004595.5 (MANE Select); coding-DNA position 335, C replaced by T.
Protein change: p.Pro112Leu; replaces proline 112 with leucine.
Molecular consequence: missense variant.
Genome position (GRCh38, 1-based): chrX:21,977,066, C>T. VCF-style: chrX-21977066-C-T. GRCh37 (hg19) VCF-style: chrX-21995184-C-T.
Other names: c.335C>T (NM_004595.3); c.176C>T, p.Pro59Leu (NM_001258423.2); short protein forms P112L, P59L.
Identifiers: ClinVar variation 1175812 (VCV001175812.42), dbSNP rs2147517480, ClinGen allele CA412567090.

ClinVar aggregate classification (germline): Pathogenic/Likely pathogenic. Review status: criteria provided, multiple submitters, no conflicts (2 of 4 stars). 3 submissions from 3 submitters: Pathogenic (2); Likely pathogenic (1). Last evaluated 2026-05-04.

Conditions:
Inborn genetic diseases. Identifiers: MedGen C0950123, MeSH D030342.
Intellectual developmental disorder, X-linked, syndromic, Snyder-Robinson type. Also called: Syndromic X-linked intellectual disability Snyder type; X-linked mental retardation Snyder - Robinson type; SNYDER-ROBINSON MENTAL RETARDATION SYNDROME; Spermine synthase deficiency. Identifiers: Orphanet 3063, MedGen C0796160, MONDO:0010664, OMIM 309583.

Submissions (3):

Ambry Genetics
Classification: Likely pathogenic for Inborn genetic diseases. Last evaluated: 2026-05-04. Review status: criteria provided, single submitter. Criteria: Ambry Variant Classification Scheme 2023. Collection method: clinical testing. Allele origin: germline.
Comment: The c.335C>T (p.P112L) alteration is located in exon 5 (coding exon 5) of the SMS gene. This alteration results from a C to T substitution at nucleotide position 335, causing the proline (P) at amino acid position 112 to be replaced by a leucine (L). This variant was not reported in population-based cohorts in the Genome Aggregation Database (gnomAD). This variant was reported in individual(s) with features consistent with Snyder-Robinson syndrome; in at least one individual, it was determined to be de novo (Valera Ribera, 2022; external communication). Another alteration at the same codon, c.334C>G (p.P112A), has been reported in individual(s) with features consistent with Snyder-Robinson syndrome (Mouskou, 2021). This amino acid position is highly conserved in available vertebrate species. This alteration is predicted to be deleterious by in silico analysis. Based on the available evidence, this alteration is classified as likely pathogenic.

Women's Health and Genetics/Laboratory Corporation of America, LabCorp
Classification: Pathogenic for Intellectual developmental disorder, X-linked, syndromic, Snyder-Robinson type. Last evaluated: 2024-03-12. Review status: criteria provided, single submitter. Criteria: LabCorp Variant Classification Summary - May 2015. Collection method: clinical testing. Allele origin: germline.
Comment: Variant summary: SMS c.335C>T (p.Pro112Leu) results in a non-conservative amino acid change in the encoded protein sequence. This alters a highly conserved residue in which another missense variant has been found in association with disease (HGMD), suggesting this may be a functionally important amino acid. Four of five in-silico tools predict a damaging effect of the variant on protein function. The variant was absent in 182851 control chromosomes (gnomAD). c.335C>T has been reported in the literature in individuals affected with Snyder-Robinson syndrome (Peng_2016, Valera Ribera_2022), and one was reported as a de novo occurrence. These data indicate that the variant is likely to be associated with disease. At least one publication reports experimental evidence evaluating an impact on protein expression, finding that a patient expressed ~20% of the wild type levels of protein (Peng_2016), suggesting that the variant results in instability. The following publications have been ascertained in the context of this evaluation (PMID: 26761001, 34741636). ClinVar contains an entry for this variant (Variation ID: 1175812). Based on the evidence outlined above, the variant was classified as pathogenic.

CeGaT Center for Human Genetics Tuebingen
Classification: Pathogenic. Last evaluated: 2021-04-01. Review status: criteria provided, single submitter. Criteria: CeGaT Center For Human Genetics Tuebingen Variant Classification Criteria Version 2. Collection method: clinical testing. Allele origin: germline. Affected: yes. Observed: 2 variant alleles.

Literature cited by the submitters: PubMed 26761001 (cited by Ambry Genetics and Women's Health and Genetics/Laboratory Corporation of America, LabCorp); PubMed 34177437 (cited by Ambry Genetics); PubMed 34741636 (cited by Ambry Genetics and Women's Health and Genetics/Laboratory Corporation of America, LabCorp).